The following is an entry in ClinVar:

ClinVar aggregate classification (germline): Uncertain significance (1 of 4 stars; one submission).

Conditions:
Amyotrophic lateral sclerosis type 21. Also called: MYOPATHY, DISTAL, 2; VOCAL CORD AND PHARYNGEAL DYSFUNCTION WITH DISTAL MYOPATHY. Identifiers: Orphanet 600, Orphanet 803, MedGen C3807521, MONDO:0011632, OMIM 606070.

Submission:

Labcorp Genetics (formerly Invitae), Labcorp
Classification: Uncertain significance for Amyotrophic lateral sclerosis type 21. Last evaluated: 2022-11-02. Review status: criteria provided, single submitter. Criteria: Invitae Variant Classification Sherloc (09022015). Collection method: clinical testing. Allele origin: germline.
Comment: This sequence change replaces tyrosine, which is neutral and polar, with asparagine, which is neutral and polar, at codon 773 of the MATR3 protein (p.Tyr773Asn). This variant is not present in population databases (gnomAD no frequency). This variant has not been reported in the literature in individuals affected with MATR3-related conditions. Advanced modeling of protein sequence and biophysical properties (such as structural, functional, and spatial information, amino acid conservation, physicochemical variation, residue mobility, and thermodynamic stability) performed at Invitae indicates that this missense variant is not expected to disrupt MATR3 protein function. In summary, the available evidence is currently insufficient to determine the role of this variant in disease. Therefore, it has been classified as a Variant of Uncertain Significance.

NM_018834.6(MATR3):c.2317T>A (p.Tyr773Asn)

Gene: MATR3 (matrin 3; plus strand). Cytogenetic location: 5q31.2.
Variant type: single nucleotide variant.
Coding change: c.2317T>A on transcript NM_018834.6 (MANE Select); coding-DNA position 2317, T replaced by A.
Protein change: p.Tyr773Asn; replaces tyrosine 773 with asparagine.
Molecular consequence: missense variant.
Genome position (GRCh38, 1-based): chr5:139,325,608, T>A. VCF-style: chr5-139325608-T-A. GRCh37 (hg19) VCF-style: chr5-138661297-T-A.
Other names: c.2317T>A, p.Tyr773Asn (NM_001194954.2, NM_001194955.2, NM_001400447.1 and 11 more transcripts); c.1453T>A, p.Tyr485Asn (NM_001194956.2); c.1303T>A, p.Tyr435Asn (NM_001282278.2, NM_001400462.1, NM_001400463.1 and 4 more transcripts); c.2461T>A, p.Tyr821Asn (NM_001400441.1, NM_001400442.1, NM_001400443.1 and 2 more transcripts); c.1456T>A, p.Tyr486Asn (NM_001400459.1); c.1447T>A, p.Tyr483Asn (NM_001400460.1); c.1417T>A, p.Tyr473Asn (NM_001400461.1); short protein forms Y473N, Y485N, Y435N, Y483N, Y821N, Y486N, Y773N.
Identifiers: ClinVar variation 2724231 (VCV002724231.3), dbSNP rs531716338, ClinGen allele CA361146573.